The following is an entry in ClinVar:

ClinVar aggregate classification (germline): Uncertain significance (1 of 4 stars; one submission).

Allele frequency attached by ClinVar (database versions not stated): gnomAD exomes below 0.00001; TOPMed below 0.00001; gnomAD 0.00001.

Submission:

Labcorp Genetics (formerly Invitae), Labcorp
Classification: Uncertain significance. Last evaluated: 2025-08-01. Review status: criteria provided, single submitter. Criteria: Invitae Variant Classification Sherloc (09022015). Collection method: clinical testing. Allele origin: germline.
Comment: This sequence change replaces histidine, which is basic and polar, with leucine, which is neutral and non-polar, at codon 139 of the CD151 protein (p.His139Leu). This variant is not present in population databases (gnomAD no frequency). This variant has not been reported in the literature in individuals affected with CD151-related conditions. ClinVar contains an entry for this variant (Variation ID: 2746036). An algorithm developed to predict the effect of missense changes on protein structure and function (PolyPhen-2) suggests that this variant is likely to be tolerated. In summary, the available evidence is currently insufficient to determine the role of this variant in disease. Therefore, it has been classified as a Variant of Uncertain Significance.

NM_004357.5(CD151):c.416A>T (p.His139Leu)

Gene: CD151 (CD151 molecule (Raph blood group); plus strand). Cytogenetic location: 11p15.5.
Variant type: single nucleotide variant.
Coding change: c.416A>T on transcript NM_004357.5 (MANE Select); coding-DNA position 416, A replaced by T.
Protein change: p.His139Leu; replaces histidine 139 with leucine.
Molecular consequence: missense variant.
Genome position (GRCh38, 1-based): chr11:837,314, A>T. VCF-style: chr11-837314-A-T. GRCh37 (hg19) VCF-style: chr11-837314-A-T.
Other names: c.416A>T, p.His139Leu (NM_001039490.2, NM_139029.2, NM_139030.4); short protein forms H139L.
Identifiers: ClinVar variation 2746036 (VCV002746036.3), dbSNP rs1366234408, ClinGen allele CA378994595.
Genomic context (GRCh38, chr11:837,314, plus strand): 5'-ACACGGAGCTCAAGGAGAACCTGAAGGACACCATGACCAAGCGCTACCACCAGCCGGGCC[A>T]TGAGGCTGTGACCAGCGCTGTGGACCAGCTGCAGCAGGAGGTGGGTGGGTGGTGCTGGGA-3'
Protein context (NP_004348.2, residues 129-149): TMTKRYHQPG[His139Leu]EAVTSAVDQL